The following is an entry in ClinVar:

NM_000868.4(HTR2C):c.716A>G (p.Tyr239Cys)

Genes: HTR2C (5-hydroxytryptamine receptor 2C; plus strand), LOC126863306 (MED14-independent group 3 enhancer GRCh37_chrX:114140926-114142125; plus strand). Cytogenetic location: Xq23.
Variant type: single nucleotide variant.
Coding change: c.716A>G on transcript NM_000868.4 (MANE Select); coding-DNA position 716, A replaced by G.
Protein change: p.Tyr239Cys; replaces tyrosine 239 with cysteine.
Molecular consequence: missense variant. On other transcripts: synonymous variant (1).
Genome position (GRCh38, 1-based): chrX:114,906,754, A>G. VCF-style: chrX-114906754-A-G. GRCh37 (hg19) VCF-style: chrX-114141317-A-G.
Other names: c.716A>G, p.Tyr239Cys (NM_001256760.3); c.621A>G, p.Leu207= (NM_001256761.3); short protein forms Y239C.
Identifiers: ClinVar variation 4994250 (VCV004994250.1).

ClinVar aggregate classification (germline): Uncertain significance (1 of 4 stars; one submission).

Conditions:
HTR2C-related disorder. Also called: HTR2C-related condition.

Submission:

PreventionGenetics, part of Exact Sciences
Classification: Uncertain significance for HTR2C-related condition. Last evaluated: 2026-08-25. Review status: criteria provided, single submitter. Criteria: ACMG Guidelines, 2015. Collection method: clinical testing. Allele origin: germline.
Comment: The HTR2C c.716A>G variant is predicted to result in the amino acid substitution p.Tyr239Cys. To our knowledge, this variant has not been reported in the literature or in a large population database (gnomAD), indicating this variant is rare. At this time, the clinical significance of this variant is uncertain due to the absence of conclusive functional and genetic evidence.